The following is an entry in ClinVar:

NM_032776.3(JMJD1C):c.6404T>A (p.Leu2135His)

Gene: JMJD1C (jumonji domain containing 1C; minus strand). Cytogenetic location: 10q21.3.
Variant type: single nucleotide variant.
Coding change: c.6404T>A on transcript NM_032776.3 (MANE Select); coding-DNA position 6404, T replaced by A.
Protein change: p.Leu2135His; replaces leucine 2135 with histidine.
Molecular consequence: missense variant. On other transcripts: non-coding transcript variant (1).
Genome position (GRCh38, 1-based): chr10:63,189,334, A>T on the plus strand (T>A on the coding strand, the complement: JMJD1C is on the minus strand). VCF-style: chr10-63189334-A-T. GRCh37 (hg19) VCF-style: chr10-64949094-A-T.
Other names: c.5858T>A, p.Leu1953His (NM_001282948.2, NM_001318154.2); c.5540T>A, p.Leu1847His (NM_001318153.2); c.6290T>A, p.Leu2097His (NM_001322252.2); c.5747T>A, p.Leu1916His (NM_001322254.2, NM_001322258.2); short protein forms L1847H, L1916H, L1953H, L2097H, L2135H.
Identifiers: ClinVar variation 1015084 (VCV001015084.6), dbSNP rs754646716, ClinGen allele CA5517876.

ClinVar aggregate classification (germline): Uncertain significance (1 of 4 stars; one submission).

Conditions:
Early Myoclonic Encephalopathy. Identifiers: MedGen C0270855.

Allele frequency attached by ClinVar (database versions not stated): gnomAD 0.00004 and 0.00003; gnomAD exomes 0.00001; TOPMed 0.00003; ExAC 0.00002.
gnomAD v4.1: 35 of 1,613,710 alleles (0.0022%); highest among the groups gnomAD compares: Non-Finnish European, 0.0028%; no homozygotes.

Submission:

Labcorp Genetics (formerly Invitae), Labcorp
Classification: Uncertain significance for Early Myoclonic Encephalopathy. Last evaluated: 2025-06-22. Review status: criteria provided, single submitter. Criteria: Invitae Variant Classification Sherloc (09022015). Collection method: clinical testing. Allele origin: germline.
Comment: This sequence change replaces leucine, which is neutral and non-polar, with histidine, which is basic and polar, at codon 2135 of the JMJD1C protein (p.Leu2135His). This variant is present in population databases (rs754646716, gnomAD 0.002%). This variant has not been reported in the literature in individuals affected with JMJD1C-related conditions. ClinVar contains an entry for this variant (Variation ID: 1015084). Invitae Evidence Modeling of protein sequence and biophysical properties (such as structural, functional, and spatial information, amino acid conservation, physicochemical variation, residue mobility, and thermodynamic stability) indicates that this missense variant is not expected to disrupt JMJD1C protein function with a negative predictive value of 80%. In summary, the available evidence is currently insufficient to determine the role of this variant in disease. Therefore, it has been classified as a Variant of Uncertain Significance.